The following is an entry in ClinVar:

ClinVar aggregate classification (germline): Likely benign (1 of 4 stars; one submission).

Conditions:
IFNLR1-related disorder. Also called: IFNLR1-related condition.

gnomAD v4.1: 62 of 1,614,058 alleles (0.0038%); highest among the groups gnomAD compares: South Asian, 0.026%; no homozygotes.

Submission:

PreventionGenetics, part of Exact Sciences
Classification: Likely benign for IFNLR1-related condition. Last evaluated: 2025-11-04. Review status: criteria provided, single submitter. Criteria: ACMG Guidelines, 2015. Collection method: clinical testing. Allele origin: germline.
Comment: This variant is classified as likely benign based on ACMG/AMP sequence variant interpretation guidelines (Richards et al. 2015 PMID: 25741868, with internal and published modifications).

NM_170743.4(IFNLR1):c.1368G>A (p.Pro456=)

Gene: IFNLR1 (interferon lambda receptor 1; minus strand). Cytogenetic location: 1p36.11.
Variant type: single nucleotide variant.
Coding change: c.1368G>A on transcript NM_170743.4 (MANE Select); coding-DNA position 1368, G replaced by A.
Protein change: p.Pro456=; no amino-acid change (proline 456 retained).
Molecular consequence: synonymous variant. On other transcripts: 3 prime UTR variant (1).
Genome position (GRCh38, 1-based): chr1:24,157,325, C>T on the plus strand (G>A on the coding strand, the complement: IFNLR1 is on the minus strand). VCF-style: chr1-24157325-C-T. GRCh37 (hg19) VCF-style: chr1-24483815-C-T.
Other names: c.1281G>A, p.Pro427= (NM_173064.3); c.*502G>A (NM_173065.3).
Identifiers: ClinVar variation 4980970 (VCV004980970.1).